The following is an entry in ClinVar:

ClinVar aggregate classification (germline): Pathogenic (1 of 4 stars; one submission).

Conditions:
Ataxia-telangiectasia syndrome (AT). Also called: ATAXIA-TELANGIECTASIA, COMPLEMENTATION GROUP A; ATAXIA-TELANGIECTASIA, FRESNO VARIANT; Ataxia-telangiectasia; Ataxia-telangiectasia, complementation group E; LOUIS-BAR SYNDROME; Cerebello-oculocutaneous telangiectasia. Identifiers: Orphanet 100, MedGen C0004135, MONDO:0008840, OMIM 208900.

Submission:

Labcorp Genetics (formerly Invitae), Labcorp
Classification: Pathogenic for Ataxia-telangiectasia syndrome. Last evaluated: 2023-05-19. Review status: criteria provided, single submitter. Criteria: Invitae Variant Classification Sherloc (09022015). Collection method: clinical testing. Allele origin: germline.
Comment: For these reasons, this variant has been classified as Pathogenic. This variant has not been reported in the literature in individuals affected with ATM-related conditions. This variant is not present in population databases (gnomAD no frequency). This sequence change creates a premature translational stop signal (p.Phe2265*) in the ATM gene. It is expected to result in an absent or disrupted protein product. Loss-of-function variants in ATM are known to be pathogenic (PMID: 23807571, 25614872).

Literature cited by the submitters: PubMed 23807571; PubMed 25614872.

NM_000051.4(ATM):c.6794_6795del (p.Thr2264_Phe2265insTer)

Genes: ATM (ATM serine/threonine kinase; plus strand), C11orf65 (chromosome 11 open reading frame 65; minus strand). Cytogenetic location: 11q22.3.
Variant type: Deletion.
Coding change: c.6794_6795del on transcript NM_000051.4 (MANE Select); coding-DNA positions 6794 to 6795, 2 bases deleted (TC; older notation c.6794_6795delTC).
Protein change: p.Thr2264_Phe2265insTer.
Molecular consequence: nonsense. On other transcripts: intron variant (2).
Genome position (GRCh38, 1-based): chr11:108,325,531-108,325,532, TC deleted. VCF-style (leftmost placement, unchanged base first): chr11-108325530-TTC-T. GRCh37 (hg19) VCF-style: chr11-108196257-TTC-T.
Other names: c.*38+9688_*38+9689del (NM_001351110.2); c.6794_6795del, p.Thr2264_Phe2265insTer (NM_001351834.2); c.641-16461_641-16460del (NM_001330368.2).
Identifiers: ClinVar variation 2865535 (VCV002865535.3), dbSNP rs2547207216, ClinGen allele CA2739266000.
Genomic context (GRCh38, chr11:108,325,530, plus strand): 5'-GAATGTATTAAGGACATTCTCACCAAACACCTTGTAGAACTCTCTATACTGGCCAGAACT[TTC>T]AAGAACACTCAGGTAAATACAATTTAAAACTATGTCATCTTACCTCTTGACTTTCCTTTT-3'